The following is an entry in ClinVar:

NM_005343.4(HRAS):c.97G>A (p.Asp33Asn)

Genes: HRAS (HRas proto-oncogene, GTPase; minus strand), LRRC56 (leucine rich repeat containing 56; plus strand). Cytogenetic location: 11p15.5.
Variant type: single nucleotide variant.
Coding change: c.97G>A on transcript NM_005343.4 (MANE Select); coding-DNA position 97, G replaced by A.
Protein change: p.Asp33Asn; replaces aspartic acid 33 with asparagine.
Molecular consequence: missense variant. On other transcripts: 5 prime UTR variant (1).
Genome position (GRCh38, 1-based): chr11:534,226, C>T on the plus strand (G>A on the coding strand, the complement: HRAS is on the minus strand). VCF-style: chr11-534226-C-T. GRCh37 (hg19) VCF-style: chr11-534226-C-T.
Other names: c.97G>A, p.Asp33Asn (NM_001130442.3, NM_176795.5); c.-223G>A (NM_001318054.2); short protein forms D33N.
Identifiers: ClinVar variation 948198 (VCV000948198.10), dbSNP rs1851315835, ClinGen allele CA378924982.

ClinVar aggregate classification (germline): Uncertain significance (1 of 4 stars; one submission).

Conditions:
Costello syndrome (CSTLO). Also called: FACIOCUTANEOSKELETAL SYNDROME; HRAS-Related Costello Syndrome; FCS SYNDROME. Identifiers: Orphanet 3071, MedGen C0587248, MONDO:0009026, OMIM 218040.

Submission:

Labcorp Genetics (formerly Invitae), Labcorp
Classification: Uncertain significance for Costello syndrome. Last evaluated: 2019-06-06. Review status: criteria provided, single submitter. Criteria: Invitae Variant Classification Sherloc (09022015). Collection method: clinical testing. Allele origin: germline.
Comment: In summary, the available evidence is currently insufficient to determine the role of this variant in disease. Therefore, it has been classified as a Variant of Uncertain Significance. Algorithms developed to predict the effect of missense changes on protein structure and function are either unavailable or do not agree on the potential impact of this missense change (SIFT: "Deleterious"; PolyPhen-2: "Probably Damaging"; Align-GVGD: "Class C15"). This variant has not been reported in the literature in individuals with HRAS-related conditions. This variant is not present in population databases (ExAC no frequency). This sequence change replaces aspartic acid with asparagine at codon 33 of the HRAS protein (p.Asp33Asn). The aspartic acid residue is highly conserved and there is a small physicochemical difference between aspartic acid and asparagine.